The following is an entry in ClinVar:

ClinVar aggregate classification (germline): Uncertain significance (1 of 4 stars; one submission).

Conditions:
Autosomal recessive limb-girdle muscular dystrophy type 2O. Also called: Limb-Girdle Muscular Dystrophy Type 3C; MUSCULAR DYSTROPHY-DYSTROGLYCANOPATHY (LIMB-GIRDLE), TYPE C, 3; MUSCULAR DYSTROPHY-DYSTROGLYCANOPATHY, LIMB-GIRDLE, POMGNT1-RELATED. Identifiers: Orphanet 206564, MedGen C3150417, MONDO:0013161, OMIM 613157.
Muscular dystrophy-dystroglycanopathy (congenital with impaired intellectual development), type B, 3. Also called: MUSCULAR DYSTROPHY, CONGENITAL, POMGNT1-RELATED; Muscular dystrophy-dystroglycanopathy (congenital with intellectual disability), type B3. Identifiers: MedGen C3150412, MONDO:0013155, OMIM 613151.

Submission:

Labcorp Genetics (formerly Invitae), Labcorp
Classification: Uncertain significance for Autosomal recessive limb-girdle muscular dystrophy type 2O; Muscular dystrophy-dystroglycanopathy (congenital with impaired intellectual development), type B, 3. Last evaluated: 2021-11-01. Review status: criteria provided, single submitter. Criteria: Invitae Variant Classification Sherloc (09022015). Collection method: clinical testing. Allele origin: germline.
Comment: This sequence change replaces alanine, which is neutral and non-polar, with threonine, which is neutral and polar, at codon 434 of the POMGNT1 protein (p.Ala434Thr). In summary, the available evidence is currently insufficient to determine the role of this variant in disease. Therefore, it has been classified as a Variant of Uncertain Significance. Advanced modeling of protein sequence and biophysical properties (such as structural, functional, and spatial information, amino acid conservation, physicochemical variation, residue mobility, and thermodynamic stability) performed at Invitae indicates that this missense variant is not expected to disrupt POMGNT1 protein function. This variant has not been reported in the literature in individuals affected with POMGNT1-related conditions. This variant is not present in population databases (gnomAD no frequency).

NM_017739.4(POMGNT1):c.1300G>A (p.Ala434Thr)

Genes: POMGNT1 (protein O-linked mannose N-acetylglucosaminyltransferase 1 (beta 1,2-); minus strand), TSPAN1 (tetraspanin 1; plus strand). Cytogenetic location: 1p34.1.
Variant type: single nucleotide variant.
Coding change: c.1300G>A on transcript NM_017739.4 (MANE Select); coding-DNA position 1300, G replaced by A.
Protein change: p.Ala434Thr; replaces alanine 434 with threonine.
Molecular consequence: missense variant.
Genome position (GRCh38, 1-based): chr1:46,192,421, C>T on the plus strand (G>A on the coding strand, the complement: POMGNT1 is on the minus strand). VCF-style: chr1-46192421-C-T. GRCh37 (hg19) VCF-style: chr1-46658093-C-T.
Other names: c.1300G>A, p.Ala434Thr (NM_001243766.2, NM_001410783.1); c.1234G>A, p.Ala412Thr (NM_001290129.3); c.871G>A, p.Ala291Thr (NM_001290130.2); short protein forms A412T, A291T, A434T.
Identifiers: ClinVar variation 1358803 (VCV001358803.6), dbSNP rs2148186054, ClinGen allele CA340175884.